The following is an entry in ClinVar:

NM_001458.5(FLNC):c.3905C>T (p.Thr1302Ile)

Gene: FLNC (filamin C; plus strand). Cytogenetic location: 7q32.1.
Variant type: single nucleotide variant.
Coding change: c.3905C>T on transcript NM_001458.5 (MANE Select); coding-DNA position 3905, C replaced by T.
Protein change: p.Thr1302Ile; replaces threonine 1302 with isoleucine.
Molecular consequence: missense variant.
Genome position (GRCh38, 1-based): chr7:128,846,104, C>T. VCF-style: chr7-128846104-C-T. GRCh37 (hg19) VCF-style: chr7-128486158-C-T.
Other names: c.3905C>T, p.Thr1302Ile (NM_001127487.2); short protein forms T1302I.
Identifiers: ClinVar variation 655033 (VCV000655033.11), dbSNP rs746249435, ClinGen allele CA4475172.

ClinVar aggregate classification (germline): Uncertain significance. Review status: criteria provided, multiple submitters, no conflicts (2 of 4 stars). 3 submissions from 3 submitters: Uncertain significance (3). Last evaluated 2026-01-10.

Conditions:
Cardiovascular phenotype. Identifiers: MedGen CN230736.
Myofibrillar myopathy 5. Also called: Filaminopathy (type); FILAMINOPATHY, AUTOSOMAL DOMINANT. Identifiers: Orphanet 171445, MedGen C1836050, MONDO:0012289, OMIM 609524.
Hypertrophic cardiomyopathy 26. Also called: Cardiomyopathy, familial hypertrophic, 26. Identifiers: Orphanet 75249, MedGen C4310749, MONDO:0014883, OMIM 617047.
Distal myopathy with posterior leg and anterior hand involvement. Also called: WILLIAMS DISTAL MYOPATHY. Identifiers: Orphanet 63273, MedGen C3279722, MONDO:0013550, OMIM 614065.

Allele frequency attached by ClinVar (database versions not stated): ExAC 0.00001; gnomAD exomes below 0.00001.
gnomAD v4.1: 1 of 1,614,028 alleles (0.000062%); highest among the groups gnomAD compares: Non-Finnish European, 0.000085%; no homozygotes.

Submissions (3):

Labcorp Genetics (formerly Invitae), Labcorp
Classification: Uncertain significance for Distal myopathy with posterior leg and anterior hand involvement; Myofibrillar myopathy 5; Hypertrophic cardiomyopathy 26. Last evaluated: 2026-01-10. Review status: criteria provided, single submitter. Criteria: Invitae Variant Classification Sherloc (09022015). Collection method: clinical testing. Allele origin: germline.
Comment: This sequence change replaces threonine, which is neutral and polar, with isoleucine, which is neutral and non-polar, at codon 1302 of the FLNC protein (p.Thr1302Ile). This variant is present in population databases (rs746249435, gnomAD 0.003%). This variant has not been reported in the literature in individuals affected with FLNC-related conditions. ClinVar contains an entry for this variant (Variation ID: 655033). Invitae Evidence Modeling of protein sequence and biophysical properties (such as structural, functional, and spatial information, amino acid conservation, physicochemical variation, residue mobility, and thermodynamic stability) has been performed for this missense variant. However, the output from this modeling did not meet the statistical confidence thresholds required to predict the impact of this variant on FLNC protein function. In summary, the available evidence is currently insufficient to determine the role of this variant in disease. Therefore, it has been classified as a Variant of Uncertain Significance.

Women's Health and Genetics/Laboratory Corporation of America, LabCorp
Classification: Uncertain significance. Last evaluated: 2025-11-28. Review status: criteria provided, single submitter. Criteria: LabCorp Variant Classification Summary - May 2015. Collection method: clinical testing. Allele origin: germline.

Ambry Genetics
Classification: Uncertain significance for Cardiovascular phenotype. Last evaluated: 2025-07-15. Review status: criteria provided, single submitter. Criteria: Ambry Variant Classification Scheme 2023. Collection method: clinical testing. Allele origin: germline.